The following is an entry in ClinVar:

ClinVar aggregate classification (germline): Uncertain significance (1 of 4 stars; one submission).

Conditions:
NRP2-related disorder. Also called: NRP2-related condition.

gnomAD v4.1: 3 of 1,597,654 alleles (0.00019%); highest among the groups gnomAD compares: African/African-American, 0.0013%; no homozygotes.

Submission:

PreventionGenetics, part of Exact Sciences
Classification: Uncertain significance for NRP2-related condition. Last evaluated: 2025-05-05. Review status: criteria provided, single submitter. Criteria: ACMG Guidelines, 2015. Collection method: clinical testing. Allele origin: germline.
Comment: The NRP2 c.2486T>C variant is predicted to result in the amino acid substitution p.Ile829Thr. To our knowledge, this variant has not been reported in the literature or in a large population database (gnomAD), indicating this variant is rare. At this time, the clinical significance of this variant is uncertain due to the absence of conclusive functional and genetic evidence.

NM_003872.3(NRP2):c.2471T>C (p.Ile824Thr)

Gene: NRP2 (neuropilin 2; plus strand). Cytogenetic location: 2q33.3.
Variant type: single nucleotide variant.
Coding change: c.2471T>C on transcript NM_003872.3 (MANE Select); coding-DNA position 2471, T replaced by C.
Protein change: p.Ile824Thr; replaces isoleucine 824 with threonine.
Molecular consequence: missense variant. On other transcripts: intron variant (1).
Genome position (GRCh38, 1-based): chr2:205,792,280, T>C. VCF-style: chr2-205792280-T-C. GRCh37 (hg19) VCF-style: chr2-206657004-T-C.
Other names: c.2486T>C, p.Ile829Thr (NM_201266.2); c.2426-2474T>C (NM_201279.2); short protein forms I824T, I829T.
Identifiers: ClinVar variation 3349251 (VCV003349251.2).